The following is an entry in ClinVar:

NC_000016.10:g.67660325G>T

Gene: ACD (ACD shelterin complex subunit and telomerase recruitment factor; minus strand). Cytogenetic location: 16q22.1.
Variant type: single nucleotide variant.
Genome position: GRCh38 VCF-style: chr16-67660325-G-T. GRCh37 (hg19) VCF-style: chr16-67694228-G-T.
Other names: short protein forms L52I.
Identifiers: ClinVar variation 1775011 (VCV001775011.4), dbSNP rs1438728678, ClinGen allele CA396359579.
Genomic context (GRCh38, chr16:67,660,325, plus strand): 5'-CGGGCGCCCAGGCCCCGCCTTTCCTCGGAAGAGGAAGCTCCTTCGCTGGGCGGGGCCGGA[G>T]GAGGAGGCCCCGCCCACGTACACCCCGCGCCTGCGCACGAGGGCGTCCTGCTCGGGGGCC-3'

ClinVar aggregate classification (germline): Uncertain significance. Review status: criteria provided, multiple submitters, no conflicts (2 of 4 stars). 2 submissions from 2 submitters: Uncertain significance (2). Last evaluated 2024-02-15.

Conditions:
Inborn genetic diseases. Identifiers: MedGen C0950123, MeSH D030342.
Dyskeratosis congenita, autosomal dominant 6 (DKCA6). Identifiers: Orphanet 3322, MedGen C4225284, MONDO:0014690, OMIM 616553.

Allele frequency attached by ClinVar (database versions not stated): TOPMed 0.00001; gnomAD 0.00001.

Submissions (2):

Labcorp Genetics (formerly Invitae), Labcorp
Classification: Uncertain significance for Dyskeratosis congenita, autosomal dominant 6. Last evaluated: 2024-02-15. Review status: criteria provided, single submitter. Criteria: Invitae Variant Classification Sherloc (09022015). Collection method: clinical testing. Allele origin: germline.
Comment: This sequence change replaces leucine, which is neutral and non-polar, with isoleucine, which is neutral and non-polar, at codon 52 of the ACD protein (p.Leu52Ile). This variant is not present in population databases (gnomAD no frequency). This variant has not been reported in the literature in individuals affected with ACD-related conditions. ClinVar contains an entry for this variant (Variation ID: 1775011). An algorithm developed to predict the effect of missense changes on protein structure and function (PolyPhen-2) suggests that this variant is likely to be tolerated. In summary, the available evidence is currently insufficient to determine the role of this variant in disease. Therefore, it has been classified as a Variant of Uncertain Significance.

Ambry Genetics
Classification: Uncertain significance for Inborn genetic diseases. Last evaluated: 2023-09-07. Review status: criteria provided, single submitter. Criteria: Ambry Variant Classification Scheme 2023. Collection method: clinical testing. Allele origin: germline.
Comment: The p.L52I variant (also known as c.154C>A), located in coding exon 1 of the ACD gene, results from a C to A substitution at nucleotide position 154. The leucine at codon 52 is replaced by isoleucine, an amino acid with highly similar properties. This amino acid position is conserved. In addition, this alteration is predicted to be tolerated by in silico analysis. Since supporting evidence is limited at this time, the clinical significance of this alteration remains unclear.